The following is an entry in ClinVar:

NM_015488.5(PNKD):c.566G>T (p.Arg189Leu)

Genes: PNKD (PNKD metallo-beta-lactamase domain containing; plus strand), CATIP-AS2 (CATIP antisense RNA 2; minus strand). Cytogenetic location: 2q35.
Variant type: single nucleotide variant.
Coding change: c.566G>T on transcript NM_015488.5 (MANE Select); coding-DNA position 566, G replaced by T.
Protein change: p.Arg189Leu; replaces arginine 189 with leucine.
Molecular consequence: missense variant.
Genome position (GRCh38, 1-based): chr2:218,341,575, G>T. VCF-style: chr2-218341575-G-T. GRCh37 (hg19) VCF-style: chr2-219206298-G-T.
Other names: c.494G>T, p.Arg165Leu (NM_022572.5); short protein forms R165L, R189L.
Identifiers: ClinVar variation 1008167 (VCV001008167.8), dbSNP rs199987826, ClinGen allele CA350540481.

ClinVar aggregate classification (germline): Uncertain significance (1 of 4 stars; one submission).

Conditions:
Paroxysmal nonkinesigenic dyskinesia. Also called: Paroxysmal non-kinesigenic dyskinesia. Identifiers: Orphanet 98810, MedGen C1869117, MONDO:0700088.

gnomAD v4.1: 1 of 1,599,638 alleles (0.000063%); no homozygotes.

Submission:

Labcorp Genetics (formerly Invitae), Labcorp
Classification: Uncertain significance for Paroxysmal nonkinesigenic dyskinesia. Last evaluated: 2020-07-30. Review status: criteria provided, single submitter. Criteria: Invitae Variant Classification Sherloc (09022015). Collection method: clinical testing. Allele origin: germline.
Comment: In summary, the available evidence is currently insufficient to determine the role of this variant in disease. Therefore, it has been classified as a Variant of Uncertain Significance. This sequence change replaces arginine with leucine at codon 189 of the PNKD protein (p.Arg189Leu). The arginine residue is weakly conserved and there is a moderate physicochemical difference between arginine and leucine. This variant is not present in population databases (ExAC no frequency). This variant has not been reported in the literature in individuals with PNKD-related conditions. Algorithms developed to predict the effect of missense changes on protein structure and function (SIFT, PolyPhen-2, Align-GVGD) all suggest that this variant is likely to be tolerated, but these predictions have not been confirmed by published functional studies and their clinical significance is uncertain.